The following is an entry in ClinVar:

NM_001458.5(FLNC):c.1525C>G (p.Leu509Val)

Gene: FLNC (filamin C; plus strand). Cytogenetic location: 7q32.1.
Variant type: single nucleotide variant.
Coding change: c.1525C>G on transcript NM_001458.5 (MANE Select); coding-DNA position 1525, C replaced by G.
Protein change: p.Leu509Val; replaces leucine 509 with valine.
Molecular consequence: missense variant.
Genome position (GRCh38, 1-based): chr7:128,840,136, C>G. VCF-style: chr7-128840136-C-G. GRCh37 (hg19) VCF-style: chr7-128480190-C-G.
Other names: c.1525C>G, p.Leu509Val (NM_001127487.2); short protein forms L509V.
Identifiers: ClinVar variation 2123760 (VCV002123760.4), dbSNP rs2536624895, ClinGen allele CA369225827.

ClinVar aggregate classification (germline): Uncertain significance (1 of 4 stars; one submission).

Conditions:
Myofibrillar myopathy 5. Also called: Filaminopathy (type); FILAMINOPATHY, AUTOSOMAL DOMINANT. Identifiers: Orphanet 171445, MedGen C1836050, MONDO:0012289, OMIM 609524.
Distal myopathy with posterior leg and anterior hand involvement. Also called: WILLIAMS DISTAL MYOPATHY. Identifiers: Orphanet 63273, MedGen C3279722, MONDO:0013550, OMIM 614065.
Hypertrophic cardiomyopathy 26. Also called: Cardiomyopathy, familial hypertrophic, 26. Identifiers: Orphanet 75249, MedGen C4310749, MONDO:0014883, OMIM 617047.

Submission:

Labcorp Genetics (formerly Invitae), Labcorp
Classification: Uncertain significance for Distal myopathy with posterior leg and anterior hand involvement; Myofibrillar myopathy 5; Hypertrophic cardiomyopathy 26. Last evaluated: 2022-04-09. Review status: criteria provided, single submitter. Criteria: Invitae Variant Classification Sherloc (09022015). Collection method: clinical testing. Allele origin: germline.
Comment: This sequence change replaces leucine, which is neutral and non-polar, with valine, which is neutral and non-polar, at codon 509 of the FLNC protein (p.Leu509Val). This variant is not present in population databases (gnomAD no frequency). This variant has not been reported in the literature in individuals affected with FLNC-related conditions. Algorithms developed to predict the effect of missense changes on protein structure and function are either unavailable or do not agree on the potential impact of this missense change (SIFT: "Tolerated"; PolyPhen-2: "Probably Damaging"; Align-GVGD: "Class C0"). In summary, the available evidence is currently insufficient to determine the role of this variant in disease. Therefore, it has been classified as a Variant of Uncertain Significance.